The following is an entry in ClinVar:

ClinVar aggregate classification (germline): Uncertain significance (1 of 4 stars; one submission).

Conditions:
Hereditary spastic paraplegia 4. Also called: Spastic paraplegia 4, autosomal dominant; Spastic Paraplegia 4; Familial spastic paraplegia autosomal dominant 2. Identifiers: Orphanet 100985, MedGen C1866855, MONDO:0008438, OMIM 182601.

gnomAD v4.1: 2 of 1,602,234 alleles (0.00012%); highest among the groups gnomAD compares: Admixed American, 0.0017%; no homozygotes.

Submission:

Labcorp Genetics (formerly Invitae), Labcorp
Classification: Uncertain significance for Hereditary spastic paraplegia 4. Last evaluated: 2024-04-20. Review status: criteria provided, single submitter. Criteria: Invitae Variant Classification Sherloc (09022015). Collection method: clinical testing. Allele origin: germline.
Comment: This sequence change affects codon 366 of the SPAST mRNA. It is a 'silent' change, meaning that it does not change the encoded amino acid sequence of the SPAST protein. This variant also falls at the last nucleotide of exon 7, which is part of the consensus splice site for this exon. This variant is not present in population databases (gnomAD no frequency). This variant has not been reported in the literature in individuals affected with SPAST-related conditions. Variants that disrupt the consensus splice site are a relatively common cause of aberrant splicing (PMID: 17576681, 9536098). Algorithms developed to predict the effect of sequence changes on RNA splicing suggest that this variant is not likely to affect RNA splicing. In summary, the available evidence is currently insufficient to determine the role of this variant in disease. Therefore, it has been classified as a Variant of Uncertain Significance.

Literature cited by the submitters: PubMed 17576681; PubMed 9536098.

NM_014946.4(SPAST):c.1098G>A (p.Glu366=)

Gene: SPAST (spastin; plus strand). Cytogenetic location: 2p22.3.
Variant type: single nucleotide variant.
Coding change: c.1098G>A on transcript NM_014946.4 (MANE Select); coding-DNA position 1098, G replaced by A.
Protein change: p.Glu366=; no amino-acid change (glutamic acid 366 retained).
Molecular consequence: synonymous variant.
Genome position (GRCh38, 1-based): chr2:32,116,212, G>A. VCF-style: chr2-32116212-G-A. GRCh37 (hg19) VCF-style: chr2-32341281-G-A.
Other names: c.1095G>A, p.Glu365= (NM_001363823.2); c.999G>A, p.Glu333= (NM_001363875.2); c.1002G>A, p.Glu334= (NM_001377959.1, NM_199436.2).
Identifiers: ClinVar variation 3715292 (VCV003715292.2).